The following is an entry in ClinVar:

NM_003560.4(PLA2G6):c.196_197del (p.Gln66fs)

Gene: PLA2G6 (phospholipase A2 group VI; minus strand). Cytogenetic location: 22q13.1.
Variant type: Microsatellite.
Coding change: c.196_197del on transcript NM_003560.4 (MANE Select); coding-DNA positions 196 to 197, 2 bases deleted (CA; older notation c.196_197delCA).
Protein change: p.Gln66fs; shifts the reading frame from glutamine 66.
Molecular consequence: frameshift variant. On other transcripts: 5 prime UTR variant (3).
Genome position (GRCh38, 1-based): chr22:38,169,230-38,169,231, TG deleted on the plus strand (CA on the coding strand, the reverse complement: PLA2G6 is on the minus strand); deleting any 2 consecutive bases within chr22:38,169,230-38,169,233 gives the same sequence; the c. name uses the placement nearest the transcript's 3' end. VCF-style (leftmost placement, unchanged base first): chr22-38169229-CTG-C. GRCh37 (hg19) VCF-style: chr22-38565236-CTG-C.
Other names: c.196_197del, p.Gln66fs (NM_001004426.3, NM_001199562.3, NM_001349864.2 and 2 more transcripts); c.-472CA[1] (NM_001349867.2, NM_001349869.2); c.-297CA[1] (NM_001349868.2); short protein forms Q66fs.
Identifiers: ClinVar variation 2876640 (VCV002876640.4), dbSNP rs762458355, ClinGen allele CA10231352.
Genomic context (GRCh38, chr22:38,169,229, plus strand): 5'-CGTGGGGGAGTGAAAGGAGAGAAGTATGTTCCCGCTGAGCATCACCCACCGGAATCCACT[CTG>C]TGAGTTCCTGGGGTTGACCAGGACGCAGTCCCAGGTGCGGTTGGGAGTGTTCTGGAACAG-3'

ClinVar aggregate classification (germline): Pathogenic/Likely pathogenic. Review status: criteria provided, multiple submitters, no conflicts (2 of 4 stars). 2 submissions from 2 submitters: Pathogenic (1); Likely pathogenic (1). Last evaluated 2024-02-05.

Conditions:
Infantile neuroaxonal dystrophy (NBIA2A). Also called: NEURODEGENERATION WITH BRAIN IRON ACCUMULATION 2A; SEITELBERGER DISEASE; Infantile neuroaxonal dystrophy 1. Identifiers: Orphanet 35069, MedGen C0270724, MONDO:0024457, OMIM 256600.

Submissions (2):

Department of Medical Genetics, Sanjay Gandhi Post Graduate Institute of Medical Sciences
Classification: Likely pathogenic for Infantile neuroaxonal dystrophy. Last evaluated: 2024-02-05. Review status: criteria provided, single submitter. Criteria: ACMG Guidelines, 2015. Collection method: clinical testing. Allele origin: germline. Affected: yes.

Labcorp Genetics (formerly Invitae), Labcorp
Classification: Pathogenic for Infantile neuroaxonal dystrophy. Last evaluated: 2023-10-09. Review status: criteria provided, single submitter. Criteria: Invitae Variant Classification Sherloc (09022015). Collection method: clinical testing. Allele origin: germline.
Comment: This sequence change creates a premature translational stop signal (p.Gln66Glufs*13) in the PLA2G6 gene. It is expected to result in an absent or disrupted protein product. Loss-of-function variants in PLA2G6 are known to be pathogenic (PMID: 16783378, 18570303, 18799783, 22213678). This variant is present in population databases (rs762458355, gnomAD 0.003%). This variant has not been reported in the literature in individuals affected with PLA2G6-related conditions. For these reasons, this variant has been classified as Pathogenic.

Literature cited by the submitters: PubMed 16783378 (cited by Labcorp Genetics (formerly Invitae), Labcorp); PubMed 18570303 (cited by Labcorp Genetics (formerly Invitae), Labcorp); PubMed 18799783 (cited by Labcorp Genetics (formerly Invitae), Labcorp); PubMed 22213678 (cited by Labcorp Genetics (formerly Invitae), Labcorp).